The following is an entry in ClinVar:

ClinVar aggregate classification (germline): not provided (0 of 4 stars; one submission).

Conditions:
Congenital factor VII deficiency. Identifiers: Orphanet 327, MedGen C0272320, MONDO:0009211, OMIM 227500.

Submission:

ClinVar Staff, National Center for Biotechnology Information (NCBI)
No classification provided. Condition: Congenital factor VII deficiency. Review status: no classification provided. Collection method: literature only. Allele origin: germline. Inheritance: Autosomal recessive inheritance. Affected: yes.

Literature cited by the submitters: PubMed 34027285.

NM_019616.4(F7):c.605G>A (p.Cys202Tyr)

Gene: F7 (coagulation factor VII; plus strand). Cytogenetic location: 13q34.
Variant type: single nucleotide variant.
Coding change: c.605G>A on transcript NM_019616.4 (MANE Select); coding-DNA position 605, G replaced by A.
Protein change: p.Cys202Tyr; replaces cysteine 202 with tyrosine.
Molecular consequence: missense variant. On other transcripts: non-coding transcript variant (1).
Genome position (GRCh38, 1-based): chr13:113,116,865, G>A. VCF-style: chr13-113116865-G-A. GRCh37 (hg19) VCF-style: chr13-113771179-G-A.
Other names: Carmel mutation; c.671G>A, p.Cys224Tyr (NM_000131.5); c.419G>A, p.Cys140Tyr (NM_001267554.2); short protein forms C140Y, C202Y, C224Y.
Identifiers: ClinVar variation 3238741 (VCV003238741.2), dbSNP rs2036202688.